The following is an entry in ClinVar:

NM_138576.4(BCL11B):c.913T>G (p.Phe305Val)

Gene: BCL11B (BCL11 transcription factor B; minus strand). Cytogenetic location: 14q32.2.
Variant type: single nucleotide variant.
Coding change: c.913T>G on transcript NM_138576.4 (MANE Select); coding-DNA position 913, T replaced by G.
Protein change: p.Phe305Val; replaces phenylalanine 305 with valine.
Molecular consequence: missense variant.
Genome position (GRCh38, 1-based): chr14:99,175,923, A>C on the plus strand (T>G on the coding strand, the complement: BCL11B is on the minus strand). VCF-style: chr14-99175923-A-C. GRCh37 (hg19) VCF-style: chr14-99642260-A-C.
Other names: c.910T>G, p.Phe304Val (NM_001282237.2); c.697T>G, p.Phe233Val (NM_001282238.2); c.700T>G, p.Phe234Val (NM_022898.3); short protein forms F233V, F234V, F304V, F305V.
Identifiers: ClinVar variation 4281764 (VCV004281764.1).

ClinVar aggregate classification (germline): Uncertain significance (1 of 4 stars; one submission).

Submission:

GeneDx
Classification: Uncertain significance. Last evaluated: 2025-04-15. Review status: criteria provided, single submitter. Criteria: GeneDx Variant Classification Process June 2021. Collection method: clinical testing. Allele origin: germline. Affected: yes.
Comment: Not observed at significant frequency in large population cohorts (gnomAD); In silico analysis indicates that this missense variant does not alter protein structure/function; Has not been previously published as pathogenic or benign to our knowledge